The following is an entry in ClinVar:

ClinVar aggregate classification (germline): Pathogenic (1 of 4 stars; one submission).

Conditions:
Autosomal recessive severe congenital neutropenia due to CSF3R deficiency. Also called: Neutropenia, severe congenital, 7, autosomal recessive. Identifiers: Orphanet 420702, MedGen C4310764, MONDO:0014865, OMIM 617014.

Submission:

Labcorp Genetics (formerly Invitae), Labcorp
Classification: Pathogenic for Autosomal recessive severe congenital neutropenia due to CSF3R deficiency. Last evaluated: 2024-08-22. Review status: criteria provided, single submitter. Criteria: Invitae Variant Classification Sherloc (09022015). Collection method: clinical testing. Allele origin: germline.
Comment: This sequence change creates a premature translational stop signal (p.Ser238Lysfs*3) in the CSF3R gene. It is expected to result in an absent or disrupted protein product. Loss-of-function variants in CSF3R are known to be pathogenic (PMID: 24753537, 26324699). This variant is not present in population databases (gnomAD no frequency). This variant has not been reported in the literature in individuals affected with CSF3R-related conditions. For these reasons, this variant has been classified as Pathogenic.

Literature cited by the submitters: PubMed 24753537; PubMed 26324699.

NM_000760.4(CSF3R):c.712dup (p.Ser238fs)

Gene: CSF3R (colony stimulating factor 3 receptor; minus strand). Cytogenetic location: 1p34.3.
Variant type: Duplication.
Coding change: c.712dup on transcript NM_000760.4 (MANE Select); coding-DNA position 712, one base duplicated (A; older notation c.712dupA).
Protein change: p.Ser238fs; shifts the reading frame from serine 238.
Molecular consequence: frameshift variant.
Genome position (GRCh38, 1-based): chr1:36,472,648, T duplicated on the plus strand (A on the coding strand, the reverse complement: CSF3R is on the minus strand). VCF-style (leftmost placement, unchanged base first): chr1-36472647-C-CT. GRCh37 (hg19) VCF-style: chr1-36938248-C-CT.
Other names: c.712dup, p.Ser238fs (NM_156039.3, NM_172313.3); short protein forms S238fs.
Identifiers: ClinVar variation 3663206 (VCV003663206.2).